The following is an entry in ClinVar:

NM_004850.5(ROCK2):c.3884G>A (p.Arg1295His)

Gene: ROCK2 (Rho associated coiled-coil containing protein kinase 2; minus strand). Cytogenetic location: 2p25.1.
Variant type: single nucleotide variant.
Coding change: c.3884G>A on transcript NM_004850.5 (MANE Select); coding-DNA position 3884, G replaced by A.
Protein change: p.Arg1295His; replaces arginine 1295 with histidine.
Molecular consequence: missense variant.
Genome position (GRCh38, 1-based): chr2:11,192,516, C>T on the plus strand (G>A on the coding strand, the complement: ROCK2 is on the minus strand). VCF-style: chr2-11192516-C-T. GRCh37 (hg19) VCF-style: chr2-11332642-C-T.
Other names: c.3626G>A, p.Arg1209His (NM_001321643.2); short protein forms R1209H, R1295H.
Identifiers: ClinVar variation 3765813 (VCV003765813.1).
Genomic context (GRCh38, chr2:11,192,516, plus strand): 5'-CAAGGTGCTATAATCTCCTCCTTTTTGTCCATATGATCTTTATGACACTTAATATGGCAA[C>T]GGCGGCACTCCAAAGCAGGAGGAGGCTTAAACATGTGCCACAGGGGCTTCATACAAGCCT-3'
Protein context (NP_004841.2, residues 1285-1305): FKPPPALECR[Arg1295His]CHIKCHKDHM

ClinVar aggregate classification (germline): Uncertain significance (1 of 4 stars; one submission).

gnomAD v4.1: 1 of 1,614,086 alleles (0.000062%); highest among the groups gnomAD compares: Non-Finnish European, 0.000085%; no homozygotes.

Submission:

Greenwood Genetic Center Diagnostic Laboratories, Greenwood Genetic Center
Classification: Uncertain significance. Last evaluated: 2024-12-11. Review status: criteria provided, single submitter. Criteria: ACMG Guidelines, 2015. Collection method: clinical testing. Allele origin: germline. Affected: yes.
Comment: Gene of Uncertain Significance